The following is an entry in ClinVar:

NM_001267550.2(TTN):c.23585A>C (p.Asn7862Thr)

Gene: TTN (titin; minus strand). Cytogenetic location: 2q31.2.
Variant type: single nucleotide variant.
Coding change: c.23585A>C on transcript NM_001267550.2 (MANE Select); coding-DNA position 23585, A replaced by C.
Protein change: p.Asn7862Thr; replaces asparagine 7862 with threonine.
Molecular consequence: missense variant. On other transcripts: intron variant (3).
Genome position (GRCh38, 1-based): chr2:178,720,057, T>G on the plus strand (A>C on the coding strand, the complement: TTN is on the minus strand). VCF-style: chr2-178720057-T-G. GRCh37 (hg19) VCF-style: chr2-179584784-T-G.
Other names: p.N7545T:AAT>ACT; c.22634A>C, p.Asn7545Thr (NM_001256850.1); c.19853A>C, p.Asn6618Thr (NM_133378.4); c.13282+18025A>C (NM_003319.4); c.13858+18025A>C (NM_133437.4); c.13657+18025A>C (NM_133432.3); short protein forms N7545T, N7862T, N6618T.
Identifiers: ClinVar variation 203325 (VCV000203325.1), dbSNP rs794729629, ClinGen allele CA312043.
Genomic context (GRCh38, chr2:178,720,057, plus strand): 5'-ACTGCAGAGCATTCTCTCATTCCAGCATCGTTTTTGATTTGGCATATATATTTTCCAGAA[T>G]TAGATGCTTCTGGACTCCCCAGCTGGAGGGTTGCAATGTTATCAATGAATGAAATCCTGG-3'
Protein context (NP_001254479.2, residues 7852-7872): TLQLGSPEAS[Asn7862Thr]SGKYICQIKN

ClinVar aggregate classification (germline): Likely benign (1 of 4 stars; one submission).

Allele frequency attached by ClinVar (database versions not stated): gnomAD exomes below 0.00001.
gnomAD v4.1: 1 of 1,613,594 alleles (0.000062%); highest among the groups gnomAD compares: South Asian, 0.0011%; no homozygotes.

Submission:

GeneDx
Classification: Likely benign. Last evaluated: 2018-03-07. Review status: criteria provided, single submitter. Criteria: GeneDx Variant Classification (06012015). Collection method: clinical testing. Allele origin: germline. Affected: yes.
Comment: This variant is considered likely benign or benign based on one or more of the following criteria: it is a conservative change, it occurs at a poorly conserved position in the protein, it is predicted to be benign by multiple in silico algorithms, and/or has population frequency not consistent with disease.